The following is an entry in ClinVar:

NC_000016.9:g.(?_10273835)_(10274288_?)dup

Gene: GRIN2A (glutamate ionotropic receptor NMDA type subunit 2A; minus strand). Cytogenetic location: 16p13.2.
Variant type: Duplication.
Identifiers: ClinVar variation 583749 (VCV000583749.3).

ClinVar aggregate classification (germline): Uncertain significance (1 of 4 stars; one submission).

Conditions:
Landau-Kleffner syndrome (FESD). Also called: EPILEPSY, FOCAL, WITH SPEECH DISORDER AND WITH OR WITHOUT MENTAL RETARDATION; APHASIA, ACQUIRED, WITH EPILEPSY. Identifiers: Orphanet 1945, Orphanet 725, Orphanet 98818, MedGen C0282512, MONDO:0009509, OMIM 245570.

Submission:

Labcorp Genetics (formerly Invitae), Labcorp
Classification: Uncertain significance for RESDAD. Last evaluated: 2019-12-16. Review status: criteria provided, single submitter. Criteria: Invitae Variant Classification Sherloc (09022015). Collection method: clinical testing. Allele origin: germline.
Comment: This variant results in a copy number gain of the genomic region encompassing exon 3 the GRIN2A gene, which includes the initiator codon. The 5' end of this event is unknown as it extends beyond the assayed region for this gene and therefore may encompass additional genes. The 3' boundary is likely confined to intron 3 of the GRIN2A gene. As the precise location of this event is unknown, it may be in tandem or it may be located elsewhere in the genome. Similar duplications have not been reported in the literature in individuals with GRIN2A-related disease. Experimental studies are not available for this variant, and the functional significance of a copy number gain of this exon is currently unknown. In summary, the available evidence is currently insufficient to determine the role of this variant in disease. Therefore, it has been classified as a Variant of Uncertain Significance.